The following is an entry in ClinVar:

ClinVar aggregate classification (germline): Likely benign (1 of 4 stars; one submission).

Allele frequency attached by ClinVar (database versions not stated): ExAC 0.00003; gnomAD 0.00005; TOPMed 0.00005; ESP Exome Variant Server 0.00015; 1000 Genomes Project 30x 0.00016; 1000 Genomes Project 0.00020.
gnomAD v4.1: 45 of 1,612,168 alleles (0.0028%); highest among the groups gnomAD compares: African/African-American, 0.032%; no homozygotes.

Submission:

CeGaT Center for Human Genetics Tuebingen
Classification: Likely benign. Last evaluated: 2022-03-01. Review status: criteria provided, single submitter. Criteria: CeGaT Center For Human Genetics Tuebingen Variant Classification Criteria Version 2. Collection method: clinical testing. Allele origin: germline. Affected: yes. Observed: 1 variant allele.
Comment: CYP2C18: BP4, BP7

NM_000772.3(CYP2C18):c.627C>T (p.Ser209=)

Gene: CYP2C18 (cytochrome P450 family 2 subfamily C member 18; plus strand). Cytogenetic location: 10q23.33.
Variant type: single nucleotide variant.
Coding change: c.627C>T on transcript NM_000772.3 (MANE Select); coding-DNA position 627, C replaced by T.
Protein change: p.Ser209=; no amino-acid change (serine 209 retained).
Molecular consequence: synonymous variant.
Genome position (GRCh38, 1-based): chr10:94,695,062, C>T. VCF-style: chr10-94695062-C-T. GRCh37 (hg19) VCF-style: chr10-96454819-C-T.
Other names: c.627C>T, p.Ser209= (NM_001128925.2).
Identifiers: ClinVar variation 2640705 (VCV002640705.24), dbSNP rs149450201, ClinGen allele CA5615961.
Genomic context (GRCh38, chr10:94,695,062, plus strand): 5'-TAAAGATCAGAGGTTTCTTAACTTGATGGAAAAATTCAATGAAAACCTCAGGATTCTGAG[C>T]TCTCCATGGATCCAGGTGAGATCAAGAGCTTCTCTTCCTGAGATATTATTTTTGTTATTT-3'
Protein context (NP_000763.1, residues 199-219): EKFNENLRIL[Ser209=]SPWIQVCNNF